The following is an entry in ClinVar:

NM_004104.5(FASN):c.7229G>A (p.Gly2410Asp)

Genes: FASN (fatty acid synthase; minus strand), LOC129390948 (MPRA-validated peak3028 silencer; plus strand). Cytogenetic location: 17q25.3.
Variant type: single nucleotide variant.
Coding change: c.7229G>A on transcript NM_004104.5 (MANE Select); coding-DNA position 7229, G replaced by A.
Protein change: p.Gly2410Asp; replaces glycine 2410 with aspartic acid.
Molecular consequence: missense variant.
Genome position (GRCh38, 1-based): chr17:82,079,526, C>T on the plus strand (G>A on the coding strand, the complement: FASN is on the minus strand). VCF-style: chr17-82079526-C-T. GRCh37 (hg19) VCF-style: chr17-80037402-C-T.
Other names: short protein forms G2410D.
Identifiers: ClinVar variation 663774 (VCV000663774.10), dbSNP rs373613096, ClinGen allele CA8851063.

ClinVar aggregate classification (germline): Uncertain significance. Review status: criteria provided, multiple submitters, no conflicts (2 of 4 stars). 2 submissions from 2 submitters: Uncertain significance (2). Last evaluated 2025-01-27.

Conditions:
Epileptic encephalopathy. Identifiers: MedGen C0543888, HP:0200134.

Allele frequency attached by ClinVar (database versions not stated): gnomAD 0.00007 and 0.00008; ExAC 0.00001; ESP Exome Variant Server 0.00008; TOPMed 0.00009; gnomAD exomes 0.00001.
gnomAD v4.1: 19 of 1,611,088 alleles (0.0012%); highest among the groups gnomAD compares: African/African-American, 0.024%; no homozygotes.

Submissions (2):

Labcorp Genetics (formerly Invitae), Labcorp
Classification: Uncertain significance for Epileptic encephalopathy. Last evaluated: 2025-01-27. Review status: criteria provided, single submitter. Criteria: Invitae Variant Classification Sherloc (09022015). Collection method: clinical testing. Allele origin: germline.
Comment: This sequence change replaces glycine, which is neutral and non-polar, with aspartic acid, which is acidic and polar, at codon 2410 of the FASN protein (p.Gly2410Asp). This variant is present in population databases (rs373613096, gnomAD 0.03%). This variant has not been reported in the literature in individuals affected with FASN-related conditions. ClinVar contains an entry for this variant (Variation ID: 663774). An algorithm developed to predict the effect of missense changes on protein structure and function outputs the following: PolyPhen-2: "Benign". The aspartic acid amino acid residue is found in multiple mammalian species, which suggests that this missense change does not adversely affect protein function. In summary, the available evidence is currently insufficient to determine the role of this variant in disease. Therefore, it has been classified as a Variant of Uncertain Significance.

Ambry Genetics
Classification: Uncertain significance. Last evaluated: 2024-11-20. Review status: criteria provided, single submitter. Criteria: Ambry Variant Classification Scheme 2023. Collection method: clinical testing. Allele origin: germline.